The following is an entry in ClinVar:

NM_000535.7(PMS2):c.2276-1G>C

Gene: PMS2 (PMS1 homolog 2, mismatch repair system component; minus strand). Cytogenetic location: 7p22.1.
Variant type: single nucleotide variant.
Coding change: c.2276-1G>C on transcript NM_000535.7 (MANE Select); the canonical splice acceptor site of the intron before coding-DNA position 2276, G replaced by C.
Molecular consequence: splice acceptor variant. On other transcripts: missense variant (7), intron variant (2).
Genome position (GRCh38, 1-based): chr7:5,977,758, C>G on the plus strand (G>C on the coding strand, the complement: PMS2 is on the minus strand). VCF-style: chr7-5977758-C-G. GRCh37 (hg19) VCF-style: chr7-6017389-C-G.
Other names: c.1903G>C, p.Ala635Pro (NM_001322009.2, NM_001406887.1, NM_001406888.1); c.2308G>C, p.Ala770Pro (NM_001322014.2); c.2152G>C, p.Ala718Pro (NM_001406870.1); c.1999G>C, p.Ala667Pro (NM_001406875.1); c.1990G>C, p.Ala664Pro (NM_001406876.1); c.1958-1G>C (NM_001322008.2, NM_001406883.1, NM_001322007.2); c.1967-1G>C (NM_001406881.1, NM_001406879.1, NM_001322015.2 and 4 more transcripts); c.1871-1G>C (NM_001406895.1, NM_001322004.2, NM_001406889.1 and 11 more transcripts); and 20 more; short protein forms A635P, A770P, A664P, A667P, A718P.
Identifiers: ClinVar variation 1068378 (VCV001068378.9), dbSNP rs2128676082, ClinGen allele CA366736213.
Genomic context (GRCh38, chr7:5,977,758, plus strand): 5'-CGAAGGTCCAGTTTTTACTAGTTGGCAAGGAAATCAGTTTAGCCCTTTCAGTGACTGGAG[C>G]TAAAAGAATACAATTTTGAGAAAAATCCATGACTTGACAAACACGTTTCACTTGAAAGCT-3'

ClinVar aggregate classification (germline): Likely pathogenic (1 of 4 stars; one submission).

Conditions:
Hereditary nonpolyposis colorectal neoplasms. Identifiers: MedGen C0009405, MeSH D003123.

Submission:

Labcorp Genetics (formerly Invitae), Labcorp
Classification: Likely pathogenic for Hereditary nonpolyposis colorectal neoplasms. Last evaluated: 2021-03-29. Review status: criteria provided, single submitter. Criteria: Invitae Variant Classification Sherloc (09022015). Collection method: clinical testing. Allele origin: germline.
Comment: This sequence change affects an acceptor splice site in intron 13 of the PMS2 gene. It is expected to disrupt RNA splicing and likely results in an absent or disrupted protein product. The frequency data for this variant in the population databases (ExAC) is considered unreliable due to the presence of homologous sequence, such as pseudogenes or paralogs, in the genome. This variant has been observed in individual(s) with ovarian cancer (PMID: 29348823). Algorithms developed to predict the effect of sequence changes on RNA splicing suggest that this variant may disrupt the consensus splice site, but this prediction has not been confirmed by published transcriptional studies. In summary, the currently available evidence indicates that the variant is pathogenic, but additional data are needed to prove that conclusively. Therefore, this variant has been classified as Likely Pathogenic. Donor and acceptor splice site variants typically lead to a loss of protein function (PMID: 16199547), and loss-of-function variants in PMS2 are known to be pathogenic (PMID: 21376568, 24362816).

Literature cited by the submitters: PubMed 29348823; PubMed 16199547; PubMed 21376568; PubMed 24362816.